The following is an entry in ClinVar:

NM_000264.5(PTCH1):c.2162A>G (p.His721Arg)

Genes: PTCH1 (patched 1; minus strand), LOC100507346 (uncharacterized LOC100507346; plus strand). Cytogenetic location: 9q22.32.
Variant type: single nucleotide variant.
Coding change: c.2162A>G on transcript NM_000264.5 (MANE Select); coding-DNA position 2162, A replaced by G.
Protein change: p.His721Arg; replaces histidine 721 with arginine.
Molecular consequence: missense variant. On other transcripts: non-coding transcript variant (2).
Genome position (GRCh38, 1-based): chr9:95,468,839, T>C on the plus strand (A>G on the coding strand, the complement: PTCH1 is on the minus strand). VCF-style: chr9-95468839-T-C. GRCh37 (hg19) VCF-style: chr9-98231121-T-C.
Other names: c.1964A>G, p.His655Arg (NM_001083602.3); c.2159A>G, p.His720Arg (NM_001083603.3); c.1709A>G, p.His570Arg (NM_001083604.3, NM_001083605.3, NM_001083606.3 and 1 more transcripts); c.2006A>G, p.His669Arg (NM_001354918.2); short protein forms H570R, H669R, H655R, H721R, H720R.
Identifiers: ClinVar variation 2157411 (VCV002157411.4), dbSNP rs2118031969, ClinGen allele CA374115490.

ClinVar aggregate classification (germline): Uncertain significance (1 of 4 stars; one submission).

Conditions:
Gorlin syndrome. Also called: Nevoid Basal Cell Carcinoma Syndrome; Basal cell nevus syndrome. Identifiers: Orphanet 377, MedGen C0004779, MONDO:0007187.

Allele frequency attached by ClinVar (database versions not stated): gnomAD exomes below 0.00001.
gnomAD v4.1: 1 of 1,614,060 alleles (0.000062%); highest among the groups gnomAD compares: Non-Finnish European, 0.000085%; no homozygotes.

Submission:

Labcorp Genetics (formerly Invitae), Labcorp
Classification: Uncertain significance for Gorlin syndrome. Last evaluated: 2022-06-18. Review status: criteria provided, single submitter. Criteria: Invitae Variant Classification Sherloc (09022015). Collection method: clinical testing. Allele origin: germline.
Comment: This sequence change replaces histidine, which is basic and polar, with arginine, which is basic and polar, at codon 721 of the PTCH1 protein (p.His721Arg). This variant is not present in population databases (gnomAD no frequency). This variant has not been reported in the literature in individuals affected with PTCH1-related conditions. Advanced modeling of protein sequence and biophysical properties (such as structural, functional, and spatial information, amino acid conservation, physicochemical variation, residue mobility, and thermodynamic stability) performed at Invitae indicates that this missense variant is not expected to disrupt PTCH1 protein function. In summary, the available evidence is currently insufficient to determine the role of this variant in disease. Therefore, it has been classified as a Variant of Uncertain Significance.